The following is an entry in ClinVar:

ClinVar aggregate classification (germline): Uncertain significance (1 of 4 stars; one submission).

Submission:

GeneDx
Classification: Uncertain significance. Last evaluated: 2025-07-02. Review status: criteria provided, single submitter. Criteria: GeneDx Variant Classification Process June 2021. Collection method: clinical testing. Allele origin: germline. Affected: yes.
Comment: Not observed at significant frequency in large population cohorts (gnomAD); In silico analysis suggests that this missense variant does not alter protein structure/function; Has not been previously published as pathogenic or benign to our knowledge

NM_014141.6(CNTNAP2):c.3101A>G (p.Asp1034Gly)

Gene: CNTNAP2 (contactin associated protein 2; plus strand). Cytogenetic location: 7q36.1.
Variant type: single nucleotide variant.
Coding change: c.3101A>G on transcript NM_014141.6 (MANE Select); coding-DNA position 3101, A replaced by G.
Protein change: p.Asp1034Gly; replaces aspartic acid 1034 with glycine.
Molecular consequence: missense variant.
Genome position (GRCh38, 1-based): chr7:148,217,378, A>G. VCF-style: chr7-148217378-A-G. GRCh37 (hg19) VCF-style: chr7-147914470-A-G.
Other names: short protein forms D1034G.
Identifiers: ClinVar variation 1320754 (VCV001320754.3), dbSNP rs2116757177, ClinGen allele CA369929241.